The following is an entry in ClinVar:

NM_000152.5(GAA):c.858+7_858+8insAGCGGGC

Gene: GAA (alpha glucosidase; plus strand). Cytogenetic location: 17q25.3.
Variant type: Insertion.
Coding change: c.858+7_858+8insAGCGGGC on transcript NM_000152.5 (MANE Select); bases 7 to 8 of the intron after coding-DNA position 858, AGCGGGC inserted.
Molecular consequence: intron variant.
Genome position: GRCh38 VCF-style: chr17-80107727-A-AGCAGCGG. GRCh37 (hg19) VCF-style: chr17-78081526-A-AGCAGCGG.
Other names: c.858+5_858+6insGCAGCGG (LRG_673t1); c.858+7_858+8insAGCGGGC (NM_001079803.3, NM_001079804.3).
Identifiers: ClinVar variation 92489 (VCV000092489.36), dbSNP rs3071247, ClinGen allele CA145794.

ClinVar aggregate classification (germline): Benign. Review status: reviewed by expert panel (3 of 4 stars). 19 submissions from 18 submitters: Benign (1). 18 of the submissions do not count toward it. Last evaluated 2020-05-19.

Conditions:
Metabolic myopathy. Identifiers: Orphanet 98486, MedGen C0270984, MONDO:0020123.
Glycogen storage disease, type II (IOPD). Also called: POMPE DISEASE, INFANTILE-ONSET; GLYCOGEN STORAGE DISEASE II, INFANTILE-ONSET; ACID ALPHA-GLUCOSIDASE DEFICIENCY, INFANTILE-ONSET; GAA DEFICIENCY, INFANTILE-ONSET; ACID MALTASE DEFICIENCY, INFANTILE-ONSET; Glycogen storage disease type 2. Identifiers: Orphanet 365, MedGen C0017921, MONDO:0009290, OMIM 232300.

Submissions (19):

ClinGen Lysosomal Storage Disorder Variant Curation Expert Panel
Classification: Benign for Glycogen storage disease, type II. Last evaluated: 2020-05-19. Review status: reviewed by expert panel. Criteria: ClinGen LSD ACMG Specifications v1. Collection method: curation. Allele origin: germline. Inheritance: Autosomal recessive inheritance.
Comment: The highest continental population minor allele frequency for c.858+7_858+8insAGCGGGC in gnomAD v.2.1.1 is 0.7353 in the European non-Finnish population. This allele frequency is higher than the ClinGen LSD VCEP's BA1 threshold (>0.01), meeting this criterion. Note that the minor allele frequency is even higher in the Ashkenazi Jewish (0.7783) and European Finnish (0.7613) populations. There is a ClinVar entry for this variant (Variation ID: 92489, 2 star review status), with 10 submitters all classifying the variant as benign. In summary, this variant meets the criteria to be classified as benign for Pompe disease. GAA-specific ACMG/AMP criteria applied, as specified by the ClinGen LSD VCEP: BA1.

Genomenon, Inc
Classification: Benign for Glycogen storage disease, type II. Last evaluated: 2026-07-01. Review status: criteria provided, single submitter. Criteria: Genomenon Sequence Variant Interpretation Standards - Updated. Collection method: curation. Allele origin: germline. Affected: no. Not counted in ClinVar's aggregate classification.
Comment: GAA c.858+7_858+8insAGCGGGC is an insertion variant located in intron 4. This variant is present at high allele frequency in population databases. We classify GAA c.858+7_858+8insAGCGGGC as a benign variant.

Labcorp Genetics (formerly Invitae), Labcorp
Classification: Benign for Glycogen storage disease, type II. Last evaluated: 2026-02-04. Review status: criteria provided, single submitter. Criteria: Invitae Variant Classification Sherloc (09022015). Collection method: clinical testing. Allele origin: germline. Not counted in ClinVar's aggregate classification.

Laboratory of Genetics, Children's Clinical University Hospital Latvia
Classification: Likely benign. Last evaluated: 2025-02-16. Review status: criteria provided, single submitter. Criteria: ACMG Guidelines, 2015. Collection method: clinical testing. Allele origin: germline. Affected: yes. Not counted in ClinVar's aggregate classification.

Blueprint Genetics
Classification: Benign. Last evaluated: 2024-11-28. Review status: criteria provided, single submitter. Criteria: ACMG Guidelines, 2015. Collection method: clinical testing. Allele origin: germline. Not counted in ClinVar's aggregate classification.

Molecular Genetics, Royal Melbourne Hospital
Classification: Benign for Metabolic myopathy. Last evaluated: 2023-05-04. Review status: criteria provided, single submitter. Criteria: ACMG Guidelines, 2015. Collection method: clinical testing. Allele origin: germline. Affected: no. Not counted in ClinVar's aggregate classification.
Comment: European Non-Finnish population allele frequency is 73.16%% (rs3071247, 161447/242952 alleles, 55293 homozygotes in gnomAD v2.1). Based on the classification scheme RMH Modified ACMG/AMP Guidelines v1.1.0, this variant is classified as BENIGN. Following criteria are met: BA1

Eurofins Ntd Llc (ga)
Classification: Benign. Last evaluated: 2018-09-04. Review status: criteria provided, single submitter. Criteria: EGL ClinVar v180209 classification definitions. Collection method: clinical testing. Allele origin: germline. Observed: 88 variant alleles, 40 heterozygotes, 48 homozygotes. Not counted in ClinVar's aggregate classification.

GeneDx
Classification: Benign. Last evaluated: 2018-06-11. Review status: criteria provided, single submitter. Criteria: GeneDx Variant Classification Process June 2021. Collection method: clinical testing. Allele origin: germline. Affected: yes. Not counted in ClinVar's aggregate classification.

Women's Health and Genetics/Laboratory Corporation of America, LabCorp
Classification: Benign. Last evaluated: 2017-08-21. Review status: criteria provided, single submitter. Criteria: LabCorp Variant Classification Summary - May 2015. Collection method: clinical testing. Allele origin: germline. Not counted in ClinVar's aggregate classification.
Comment: Variant summary: The GAA c.858+7_858+8insAGCGGGC variant involves insertion of 7 nucleotides in an intronic location, which 5/5 splice prediction tools predict no significant impact on normal splicing. However, these predictions have yet to be confirmed by functional studies. This variant was found in 179851/270478 control chromosomes (3918 homozygotes) at a frequency of 0.6649376, which is approximately 158 times the estimated maximal expected allele frequency of a pathogenic GAA variant (0.0042205). The observed allele frequency indicates the variant of interest is the major allele observed in the general population. In addition, the region is indicated to be highly polymorphic in gnomAD. A publication cites the variant to co-occur in an affected individual that carried two pathogenic variants. Furthermore, multiple clinical diagnostic laboratories classified this variant as benign. Taken together, this variant is classified as benign.

Phosphorus, Inc.
Classification: Benign for Glycogen storage disease, type II. Last evaluated: 2017-08-01. Review status: criteria provided, single submitter. Criteria: ACMG Guidelines, 2015. Collection method: clinical testing. Allele origin: germline. Observed: 20 variant alleles. Not counted in ClinVar's aggregate classification.

Genetic Services Laboratory, University of Chicago
Classification: Benign. Last evaluated: 2015-08-03. Review status: criteria provided, single submitter. Criteria: ACMG Guidelines, 2015. Collection method: clinical testing. Allele origin: germline. Not counted in ClinVar's aggregate classification.

PreventionGenetics, part of Exact Sciences
Classification: Benign. Review status: criteria provided, single submitter. Criteria: ACMG Guidelines, 2015. Collection method: clinical testing. Allele origin: germline. Not counted in ClinVar's aggregate classification.

Natera, Inc.
Classification: Benign for Glycogen storage disease type II. Last evaluated: 2020-09-16. Review status: no assertion criteria provided. Collection method: clinical testing. Allele origin: germline. Not counted in ClinVar's aggregate classification.

Mayo Clinic Laboratories, Mayo Clinic
Classification: Benign. Last evaluated: 2015-12-07. Review status: no assertion criteria provided. Collection method: clinical testing. Allele origin: unknown. Not counted in ClinVar's aggregate classification.

Clinical Genetics DNA and cytogenetics Diagnostics Lab, Erasmus MC, Erasmus Medical Center
Classification: Likely benign. Review status: no assertion criteria provided. Collection method: clinical testing. Allele origin: germline. Affected: yes. Study: VKGL Data-share Consensus. Not counted in ClinVar's aggregate classification.

Diagnostic Laboratory, Department of Genetics, University Medical Center Groningen
Classification: Benign for Glycogen storage disease, type II. Review status: no assertion criteria provided. Collection method: clinical testing. Allele origin: germline. Affected: yes. Study: VKGL Data-share Consensus. Not counted in ClinVar's aggregate classification.

Joint Genome Diagnostic Labs from Nijmegen and Maastricht, Radboudumc and MUMC+
Classification: Benign. Review status: no assertion criteria provided. Collection method: clinical testing. Allele origin: germline. Affected: yes. Study: VKGL Data-share Consensus. Not counted in ClinVar's aggregate classification.

Laboratory of Diagnostic Genome Analysis, Leiden University Medical Center (LUMC)
Classification: Likely benign. Review status: no assertion criteria provided. Collection method: clinical testing. Allele origin: germline. Affected: yes. Study: VKGL Data-share Consensus. Not counted in ClinVar's aggregate classification.

Diagnostic Laboratory, Department of Genetics, University Medical Center Groningen
Classification: Benign for Glycogen storage disease, type II. Review status: flagged submission. Collection method: clinical testing. Allele origin: germline. Affected: yes. Study: VKGL Data-share Consensus. Not counted in ClinVar's aggregate classification.
ClinVar note: Reason: This record appears to be redundant with a more recent record from the same submitter.
ClinVar note: Notes: SCV000733726 appears to be redundant with SCV000733727.

Literature cited by the submitters: PubMed 17616415 (cited by Women's Health and Genetics/Laboratory Corporation of America, LabCorp); PubMed 9259196 (cited by Women's Health and Genetics/Laboratory Corporation of America, LabCorp); PubMed 23418865 (cited by Women's Health and Genetics/Laboratory Corporation of America, LabCorp).